The following is an entry in ClinVar:

NM_017780.4(CHD7):c.5591T>C (p.Phe1864Ser)

Gene: CHD7 (chromodomain helicase DNA binding protein 7; plus strand). Cytogenetic location: 8q12.2.
Variant type: single nucleotide variant.
Coding change: c.5591T>C on transcript NM_017780.4 (MANE Select); coding-DNA position 5591, T replaced by C.
Protein change: p.Phe1864Ser; replaces phenylalanine 1864 with serine.
Molecular consequence: missense variant. On other transcripts: intron variant (1).
Genome position (GRCh38, 1-based): chr8:60,851,088, T>C. VCF-style: chr8-60851088-T-C. GRCh37 (hg19) VCF-style: chr8-61763647-T-C.
Other names: c.1717-11141T>C (NM_001316690.1); short protein forms F1864S.
Identifiers: ClinVar variation 4824203 (VCV004824203.1).

ClinVar aggregate classification (germline): Uncertain significance (1 of 4 stars; one submission).

Conditions:
Inborn genetic diseases. Identifiers: MedGen C0950123, MeSH D030342.

Submission:

Ambry Genetics
Classification: Uncertain significance for Inborn genetic diseases. Last evaluated: 2026-02-14. Review status: criteria provided, single submitter. Criteria: Ambry Variant Classification Scheme 2023. Collection method: clinical testing. Allele origin: germline.
Comment: The p.F1864S variant (also known as c.5591T>C), located in coding exon 26 of the CHD7 gene, results from a T to C substitution at nucleotide position 5591. The phenylalanine at codon 1864 is replaced by serine, an amino acid with highly dissimilar properties. This amino acid position is conserved. In addition, the in silico prediction for this alteration is inconclusive. Based on the available evidence, the clinical significance of this variant remains unclear.